The following is an entry in ClinVar:

ClinVar aggregate classification (germline): Benign/Likely benign. Review status: criteria provided, multiple submitters, no conflicts (2 of 4 stars). 11 submissions from 11 submitters: Benign (4); Likely benign (4). 3 of the submissions do not count toward it. Last evaluated 2026-09-01.

Conditions:
Inborn genetic diseases. Identifiers: MedGen C0950123, MeSH D030342.
Niemann-Pick disease, type B. Also called: Chronic Visceral ASMD (Niemann-Pick Disease Type B; NPD-B). Identifiers: Orphanet 77293, MedGen C0268243, MONDO:0011871, OMIM 607616. Disease mechanism: loss of function.
Niemann-Pick disease, type A. Also called: Infantile Neurovisceral ASMD (Niemann-Pick Disease Type A; NPD-A); SPHINGOMYELIN LIPIDOSIS; SPHINGOMYELINASE DEFICIENCY. Identifiers: Orphanet 77292, MedGen C0268242, MONDO:0009756, OMIM 257200. Disease mechanism: loss of function.
Sphingomyelin/cholesterol lipidosis. Also called: Niemann-Pick disease. Identifiers: MedGen C0028064, MONDO:0001982.

Allele frequency attached by ClinVar (database versions not stated): 1000 Genomes Project 0.00260; 1000 Genomes Project 30x 0.00297; TOPMed 0.00363; gnomAD exomes 0.00426 and 0.00539; ESP Exome Variant Server 0.00446; ExAC 0.00463; gnomAD 0.00488 and 0.00500.
gnomAD v4.1: 8,482 of 1,614,074 alleles (0.53%); highest among the groups gnomAD compares: Non-Finnish European, 0.63%; 35 homozygotes.

Submissions (11):

CeGaT Center for Human Genetics Tuebingen
Classification: Likely benign. Last evaluated: 2026-09-01. Review status: criteria provided, single submitter. Criteria: CeGaT Center For Human Genetics Tuebingen Variant Classification Criteria Version 2. Collection method: clinical testing. Allele origin: germline. Affected: yes. Observed: 21 variant alleles.
Comment: SMPD1: BP4, BP7, BS2

Labcorp Genetics (formerly Invitae), Labcorp
Classification: Benign for Niemann-Pick disease, type B; Niemann-Pick disease, type A. Last evaluated: 2026-01-31. Review status: criteria provided, single submitter. Criteria: Invitae Variant Classification Sherloc (09022015). Collection method: clinical testing. Allele origin: germline.

Mayo Clinic Laboratories, Mayo Clinic
Classification: Benign. Last evaluated: 2025-04-29. Review status: criteria provided, single submitter. Criteria: ACMG Guidelines, 2015. Collection method: clinical testing. Allele origin: germline. Observed: 8 variant alleles.
Comment: BS1, BS2, BP4, BP7

Ambry Genetics
Classification: Likely benign for Inborn genetic diseases. Last evaluated: 2022-03-25. Review status: criteria provided, single submitter. Criteria: Ambry Variant Classification Scheme 2023. Collection method: clinical testing. Allele origin: germline.

Broad Center for Mendelian Genomics, Broad Institute of MIT and Harvard
Classification: Likely benign for Sphingomyelin/cholesterol lipidosis. Last evaluated: 2020-01-22. Review status: criteria provided, single submitter. Criteria: ACMG Guidelines, 2015. Collection method: curation. Allele origin: germline. Inheritance: Autosomal recessive inheritance.
Comment: The c.813T>C (p.Pro271=) variant in SMPD1 (also known as p.Pro269= due to a difference in cDNA numbering) has not been previously reported in individuals with Niemann-Pick disease but has been identified in 0.793% (1020/128622) of European (non-Finnish) chromosomes and 0.759% (190/25022) of European (Finnish) chromosomes by the Genome Aggregation Database (gnomAD; dbSNP rs61876771). Computational prediction tools, including splice predictors, and conservation analyses suggest that this variant may not impact the protein, though this information is not predictive enough to rule out pathogenicity. In summary, although additional studies are required to fully establish its clinical significance, this variant is likely benign. ACMG/AMP Criteria applied: BS1, BP4, BP7 (Richards 2015).

Illumina Laboratory Services, Illumina
Classification: Likely benign for Niemann-Pick disease, type A. Last evaluated: 2018-01-13. Review status: criteria provided, single submitter. Criteria: ICSL Variant Classification Criteria 13 December 2019. Collection method: clinical testing. Allele origin: germline.
Comment: This variant was observed in the ICSL laboratory as part of a predisposition screen in an ostensibly healthy population. It had not been previously curated by ICSL or reported in the Human Gene Mutation Database (HGMD: prior to June 1st, 2018), and was therefore a candidate for classification through an automated scoring system. Utilizing variant allele frequency, disease prevalence and penetrance estimates, and inheritance mode, an automated score was calculated to assess if this variant is too frequent to cause the disease. Based on the score and internal cut-off values, a variant classified as likely benign is not then subjected to further curation. The score for this variant resulted in a classification of likely benign for this disease.

Eurofins Ntd Llc (ga)
Classification: Benign. Last evaluated: 2015-08-24. Review status: criteria provided, single submitter. Criteria: EGL Classification Definitions 2015. Collection method: clinical testing. Allele origin: germline. Observed: 3 variant alleles, 3 heterozygotes.

GeneDx
Classification: Benign. Last evaluated: 2015-03-03. Review status: criteria provided, single submitter. Criteria: GeneDx Variant Classification Process June 2021. Collection method: clinical testing. Allele origin: germline. Affected: yes.

Natera, Inc.
Classification: Benign for Niemann-Pick Disease, Types A/B. Last evaluated: 2017-06-30. Review status: no assertion criteria provided. Collection method: clinical testing. Allele origin: germline. Not counted in ClinVar's aggregate classification.

Clinical Genetics DNA and cytogenetics Diagnostics Lab, Erasmus MC, Erasmus Medical Center
Classification: Likely benign. Review status: no assertion criteria provided. Collection method: clinical testing. Allele origin: germline. Affected: yes. Study: VKGL Data-share Consensus. Not counted in ClinVar's aggregate classification.

Genome Diagnostics Laboratory, University Medical Center Utrecht
Classification: Benign. Review status: no assertion criteria provided. Collection method: clinical testing. Allele origin: germline. Affected: yes. Study: VKGL Data-share Consensus. Not counted in ClinVar's aggregate classification.

NM_000543.5(SMPD1):c.813T>C (p.Pro271=)

Gene: SMPD1 (sphingomyelin phosphodiesterase 1; plus strand). Cytogenetic location: 11p15.4.
Variant type: single nucleotide variant.
Coding change: c.813T>C on transcript NM_000543.5 (MANE Select); coding-DNA position 813, T replaced by C.
Protein change: p.Pro271=; no amino-acid change (proline 271 retained).
Molecular consequence: synonymous variant. On other transcripts: 5 prime UTR variant (1), non-coding transcript variant (1).
Genome position (GRCh38, 1-based): chr11:6,391,878, T>C. VCF-style: chr11-6391878-T-C. GRCh37 (hg19) VCF-style: chr11-6413108-T-C.
Other names: c.810T>C, p.Pro270= (NM_001007593.3); c.813T>C, p.Pro271= (NM_001318087.2, NM_001365135.2); c.-149T>C (NM_001318088.2).
Identifiers: ClinVar variation 280985 (VCV000280985.61), dbSNP rs61876771, ClinGen allele CA5852692.
Genomic context (GRCh38, chr11:6,391,878, plus strand): 5'-GTGTGACCTGCCCCTGAGGACCCTGGAGAGCCTGTTGAGTGGGCTGGGCCCAGCCGGCCC[T>C]TTTGATATGGTGTACTGGACAGGAGACATCCCCGCACATGATGTCTGGCACCAGACTCGT-3'
Protein context (NP_000534.3, residues 261-281): SLLSGLGPAG[Pro271=]FDMVYWTGDI